The following is an entry in ClinVar:

ClinVar aggregate classification (germline): Uncertain significance. Review status: criteria provided, multiple submitters, no conflicts (2 of 4 stars). 2 submissions from 2 submitters: Uncertain significance (2). Last evaluated 2025-04-19.

Conditions:
Hereditary cancer-predisposing syndrome. Also called: Neoplastic Syndromes, Hereditary; Hereditary neoplastic syndrome; Tumor predisposition; Hereditary Cancer Syndrome. Identifiers: Orphanet 140162, MedGen C0027672, MeSH D009386, MONDO:0015356.
Parathyroid carcinoma (PRTC). Also called: Parathyroid gland carcinoma; CDC73-Related Parathyroid Carcinoma. Identifiers: Orphanet 143, MedGen C0687150, MONDO:0012004, OMIM 608266, HP:0006780.

Submissions (2):

Labcorp Genetics (formerly Invitae), Labcorp
Classification: Uncertain significance for Parathyroid carcinoma. Last evaluated: 2025-04-19. Review status: criteria provided, single submitter. Criteria: Invitae Variant Classification Sherloc (09022015). Collection method: clinical testing. Allele origin: germline.
Comment: This sequence change replaces arginine, which is basic and polar, with proline, which is neutral and non-polar, at codon 120 of the CDC73 protein (p.Arg120Pro). This variant is not present in population databases (gnomAD no frequency). This variant has not been reported in the literature in individuals affected with CDC73-related conditions. ClinVar contains an entry for this variant (Variation ID: 2459414). An algorithm developed to predict the effect of missense changes on protein structure and function (PolyPhen-2) suggests that this variant is likely to be disruptive. In summary, the available evidence is currently insufficient to determine the role of this variant in disease. Therefore, it has been classified as a Variant of Uncertain Significance.

Ambry Genetics
Classification: Uncertain significance for Hereditary cancer-predisposing syndrome. Last evaluated: 2023-01-31. Review status: criteria provided, single submitter. Criteria: Ambry Variant Classification Scheme 2023. Collection method: clinical testing. Allele origin: germline.
Comment: The p.R120P variant (also known as c.359G>C), located in coding exon 4 of the CDC73 gene, results from a G to C substitution at nucleotide position 359. The arginine at codon 120 is replaced by proline, an amino acid with dissimilar properties. This amino acid position is conserved. In addition, the in silico prediction for this alteration is inconclusive. Since supporting evidence is limited at this time, the clinical significance of this alteration remains unclear.

NM_024529.5(CDC73):c.359G>C (p.Arg120Pro)

Gene: CDC73 (cell division cycle 73; plus strand). Cytogenetic location: 1q31.2.
Variant type: single nucleotide variant.
Coding change: c.359G>C on transcript NM_024529.5 (MANE Select); coding-DNA position 359, G replaced by C.
Protein change: p.Arg120Pro; replaces arginine 120 with proline.
Molecular consequence: missense variant.
Genome position (GRCh38, 1-based): chr1:193,135,442, G>C. VCF-style: chr1-193135442-G-C. GRCh37 (hg19) VCF-style: chr1-193104572-G-C.
Other names: short protein forms R120P.
Identifiers: ClinVar variation 2459414 (VCV002459414.5), dbSNP rs2103121520, ClinGen allele CA343960498.